The following is an entry in ClinVar:

ClinVar aggregate classification (germline): Pathogenic (1 of 4 stars; one submission).

Conditions:
Duchenne muscular dystrophy (DMD). Also called: Duchenne Muscular Dystrophy (DMD); MUSCULAR DYSTROPHY, PSEUDOHYPERTROPHIC PROGRESSIVE, DUCHENNE TYPE. Identifiers: Orphanet 98896, MedGen C0013264, MONDO:0010679, OMIM 310200.

Submission:

Labcorp Genetics (formerly Invitae), Labcorp
Classification: Pathogenic for Duchenne muscular dystrophy. Last evaluated: 2022-04-24. Review status: criteria provided, single submitter. Criteria: Invitae Variant Classification Sherloc (09022015). Collection method: clinical testing. Allele origin: germline.
Comment: For these reasons, this variant has been classified as Pathogenic. A similar copy number variant has been observed in individual(s) with Duchenne muscular dystrophy (PMID: 9225508, 21515508, 31705731). This variant is a gross deletion of the genomic region encompassing exon(s) 12-13 of the DMD gene. This deletion is out-of-frame, and is expected to create a premature termination codon and result in an absent or disrupted protein product. Loss-of-function variants in DMD are known to be pathogenic (PMID: 16770791, 25007885).

Literature cited by the submitters: PubMed 9225508; PubMed 21515508; PubMed 31705731; PubMed 16770791; PubMed 25007885.

NC_000023.10:g.(?_32613864)_(32632580_?)del

Gene: DMD (dystrophin; minus strand). Cytogenetic location: Xp21.1.
Variant type: Deletion.
Identifiers: ClinVar variation 2424886 (VCV002424886.5).